The following is an entry in ClinVar:

NM_004525.3(LRP2):c.709C>T (p.Gln237Ter)

Gene: LRP2 (LDL receptor related protein 2; minus strand). Cytogenetic location: 2q31.1.
Variant type: single nucleotide variant.
Coding change: c.709C>T on transcript NM_004525.3 (MANE Select); coding-DNA position 709, C replaced by T.
Protein change: p.Gln237Ter; replaces glutamine 237 with a stop codon.
Molecular consequence: nonsense.
Genome position (GRCh38, 1-based): chr2:169,292,313, G>A on the plus strand (C>T on the coding strand, the complement: LRP2 is on the minus strand). VCF-style: chr2-169292313-G-A. GRCh37 (hg19) VCF-style: chr2-170148823-G-A.
Other names: short protein forms Q237*.
Identifiers: ClinVar variation 2105013 (VCV002105013.4), dbSNP rs2528560334, ClinGen allele CA349160092.

ClinVar aggregate classification (germline): Pathogenic (1 of 4 stars; one submission).

Submission:

Labcorp Genetics (formerly Invitae), Labcorp
Classification: Pathogenic. Last evaluated: 2022-03-01. Review status: criteria provided, single submitter. Criteria: Invitae Variant Classification Sherloc (09022015). Collection method: clinical testing. Allele origin: germline.
Comment: This variant has not been reported in the literature in individuals affected with LRP2-related conditions. For these reasons, this variant has been classified as Pathogenic. Algorithms developed to predict the effect of sequence changes on RNA splicing suggest that this variant may disrupt the consensus splice site. This variant is not present in population databases (gnomAD no frequency). This sequence change creates a premature translational stop signal (p.Gln237*) in the LRP2 gene. It is expected to result in an absent or disrupted protein product. Loss-of-function variants in LRP2 are known to be pathogenic (PMID: 17632512, 25682901).

Literature cited by the submitters: PubMed 17632512; PubMed 25682901.